The following is an entry in ClinVar:

ClinVar aggregate classification (germline): Conflicting classifications of pathogenicity. Review status: criteria provided, conflicting classifications (1 of 4 stars). 4 submissions from 4 submitters: Uncertain significance (2); Likely benign (2). Last evaluated 2025-12-26.

Conditions:
ZFYVE19-related disorder. Also called: ZFYVE19-related condition.

Allele frequency attached by ClinVar (database versions not stated): 1000 Genomes Project 0.00060; 1000 Genomes Project 30x 0.00062; gnomAD 0.00102; ESP Exome Variant Server 0.00109; TOPMed 0.00117.

Submissions (4):

PreventionGenetics, part of Exact Sciences
Classification: Likely benign for ZFYVE19-related condition. Last evaluated: 2025-12-26. Review status: criteria provided, single submitter. Criteria: ACMG Guidelines, 2015. Collection method: clinical testing. Allele origin: germline.
Comment: This variant is classified as likely benign based on ACMG/AMP sequence variant interpretation guidelines (Richards et al. 2015 PMID: 25741868, with internal and published modifications).

Ambry Genetics
Classification: Uncertain significance. Last evaluated: 2025-12-09. Review status: criteria provided, single submitter. Criteria: Ambry Variant Classification Scheme 2023. Collection method: clinical testing. Allele origin: germline.

CeGaT Center for Human Genetics Tuebingen
Classification: Likely benign. Last evaluated: 2025-07-01. Review status: criteria provided, single submitter. Criteria: CeGaT Center For Human Genetics Tuebingen Variant Classification Criteria Version 2. Collection method: clinical testing. Allele origin: germline. Affected: yes. Observed: 3 variant alleles.
Comment: ZFYVE19: BP4

Blueprint Genetics
Classification: Uncertain significance. Last evaluated: 2024-11-27. Review status: criteria provided, single submitter. Criteria: ACMG Guidelines, 2015. Collection method: clinical testing. Allele origin: germline.

NM_001077268.2(ZFYVE19):c.553C>T (p.Arg185Cys)

Gene: ZFYVE19 (zinc finger FYVE-type containing 19; plus strand). Cytogenetic location: 15q15.1.
Variant type: single nucleotide variant.
Coding change: c.553C>T on transcript NM_001077268.2 (MANE Select); coding-DNA position 553, C replaced by T.
Protein change: p.Arg185Cys; replaces arginine 185 with cysteine.
Molecular consequence: missense variant.
Genome position (GRCh38, 1-based): chr15:40,809,952, C>T. VCF-style: chr15-40809952-C-T. GRCh37 (hg19) VCF-style: chr15-41102150-C-T.
Other names: c.553C>T, p.Arg185Cys (NM_001258420.2); c.553C>T (NM_001077268.1); c.28C>T, p.Arg10Cys (NM_001258421.2); c.523C>T, p.Arg175Cys (NM_032850.5); short protein forms R10C, R175C, R185C.
Identifiers: ClinVar variation 2570900 (VCV002570900.29), dbSNP rs199947417, ClinGen allele CA7485648.